The following is an entry in ClinVar:

ClinVar aggregate classification (germline): Conflicting classifications of pathogenicity. Review status: criteria provided, conflicting classifications (1 of 4 stars). 4 submissions from 4 submitters: Uncertain significance (2); Benign (1); Likely benign (1). Last evaluated 2026-04-01.

Conditions:
Inborn genetic diseases. Identifiers: MedGen C0950123, MeSH D030342.
KBG syndrome (KBGS). Also called: ANKRD11-Related KBG Syndrome. Identifiers: Orphanet 2332, MedGen C0220687, MONDO:0007846, OMIM 148050.

Submissions (4):

CeGaT Center for Human Genetics Tuebingen
Classification: Benign. Last evaluated: 2026-04-01. Review status: criteria provided, single submitter. Criteria: CeGaT Center For Human Genetics Tuebingen Variant Classification Criteria Version 2. Collection method: clinical testing. Allele origin: germline. Affected: yes. Observed: 1 variant allele.
Comment: ANKRD11: BS1, BS2

Labcorp Genetics (formerly Invitae), Labcorp
Classification: Uncertain significance for KBG syndrome. Last evaluated: 2025-10-02. Review status: criteria provided, single submitter. Criteria: Invitae Variant Classification Sherloc (09022015). Collection method: clinical testing. Allele origin: germline.
Comment: This variant, c.6052_6060del, results in the deletion of 3 amino acid(s) of the ANKRD11 protein (p.Pro2018_Ala2020del), but otherwise preserves the integrity of the reading frame. This variant is present in population databases (rs775221712, gnomAD 0.03%). This variant has not been reported in the literature in individuals affected with ANKRD11-related conditions. ClinVar contains an entry for this variant (Variation ID: 634602). Experimental studies and prediction algorithms are not available or were not evaluated, and the functional significance of this variant is currently unknown. In summary, the available evidence is currently insufficient to determine the role of this variant in disease. Therefore, it has been classified as a Variant of Uncertain Significance.

Ambry Genetics
Classification: Likely benign for Inborn genetic diseases. Last evaluated: 2022-06-03. Review status: criteria provided, single submitter. Criteria: Ambry Variant Classification Scheme 2023. Collection method: clinical testing. Allele origin: germline.

Genomic Research Center, Shahid Beheshti University of Medical Sciences
Classification: Uncertain significance for KBG syndrome. Last evaluated: 2019-01-01. Review status: criteria provided, single submitter. Criteria: ACMG Guidelines, 2015. Collection method: clinical testing. Allele origin: unknown. Affected: yes. Observed: 1 variant allele.

NM_013275.6(ANKRD11):c.6052_6060del (p.Pro2018_Ala2020del)

Gene: ANKRD11 (ankyrin repeat domain 11; minus strand). Cytogenetic location: 16q24.3.
Variant type: Deletion.
Coding change: c.6052_6060del on transcript NM_013275.6 (MANE Select); coding-DNA positions 6052 to 6060, 9 bases deleted (CCTCCCGCC; older notation c.6052_6060delCCTCCCGCC).
Protein change: p.Pro2018_Ala2020del.
Molecular consequence: inframe deletion.
Genome position (GRCh38, 1-based): chr16:89,280,482-89,280,490, GGCGGGAGG deleted on the plus strand (CCTCCCGCC on the coding strand, the reverse complement: ANKRD11 is on the minus strand); deleting any 9 consecutive bases within chr16:89,280,482-89,280,496 gives the same sequence; the c. name uses the placement nearest the transcript's 3' end. VCF-style (leftmost placement, unchanged base first): chr16-89280481-AGGCGGGAGG-A. GRCh37 (hg19) VCF-style: chr16-89346889-AGGCGGGAGG-A.
Other names: c.6052_6060del, p.Pro2018_Ala2020del (NM_001256182.2, NM_001256183.2); c.6052_6060delCCTCCCGCC (NM_013275.4).
Identifiers: ClinVar variation 634602 (VCV000634602.11), dbSNP rs775221712, ClinGen allele CA8241620.